The following is an entry in ClinVar:

ClinVar aggregate classification (germline): Conflicting classifications of pathogenicity. Review status: criteria provided, conflicting classifications (1 of 4 stars). 6 submissions from 3 submitters: Uncertain significance (3); Benign (1); Likely benign (2). Last evaluated 2025-08-17.

Conditions:
Retinitis pigmentosa (RP). Identifiers: Orphanet 791, MedGen C0035334, MeSH D012174, MONDO:0019200, OMIM 268000. Inheritance: Autosomal dominant, autosomal recessive and X linked inheritance.
Retinal macular dystrophy type 2 (MCDR2). Also called: Bull's eye macular dystrophy. Identifiers: Orphanet 319640, MedGen C4749334, MONDO:0011957, OMIM 608051.
Cone-rod dystrophy 12 (CORD12). Identifiers: Orphanet 1872, MedGen C2675210, MONDO:0012983, OMIM 612657.
Stargardt disease 4 (STGD4). Identifiers: Orphanet 827, MedGen C1863534, MONDO:0011370, OMIM 603786.

Allele frequency attached by ClinVar (database versions not stated): ExAC 0.00012; gnomAD 0.00016; TOPMed 0.00016; ESP Exome Variant Server 0.00017; gnomAD exomes 0.00019.
gnomAD v4.1: 195 of 1,591,790 alleles (0.012%); highest among the groups gnomAD compares: Non-Finnish European, 0.0016%; no homozygotes.

Submissions (6):

Labcorp Genetics (formerly Invitae), Labcorp
Classification: Benign. Last evaluated: 2025-08-17. Review status: criteria provided, single submitter. Criteria: Invitae Variant Classification Sherloc (09022015). Collection method: clinical testing. Allele origin: germline.

Blueprint Genetics
Classification: Likely benign. Last evaluated: 2023-09-14. Review status: criteria provided, single submitter. Criteria: ACMG Guidelines, 2015. Collection method: clinical testing. Allele origin: germline.

Illumina Laboratory Services, Illumina
Classification: Uncertain significance for Retinal macular dystrophy type 2. Last evaluated: 2018-01-13. Review status: criteria provided, single submitter. Criteria: ICSL Variant Classification Criteria 13 December 2019. Collection method: clinical testing. Allele origin: germline.

Illumina Laboratory Services, Illumina
Classification: Uncertain significance for Retinitis pigmentosa. Last evaluated: 2018-01-13. Review status: criteria provided, single submitter. Criteria: ICSL Variant Classification Criteria 13 December 2019. Collection method: clinical testing. Allele origin: germline.

Illumina Laboratory Services, Illumina
Classification: Uncertain significance for Stargardt disease 4. Last evaluated: 2018-01-13. Review status: criteria provided, single submitter. Criteria: ICSL Variant Classification Criteria 13 December 2019. Collection method: clinical testing. Allele origin: germline.

Illumina Laboratory Services, Illumina
Classification: Likely benign for Cone-rod dystrophy 12. Last evaluated: 2018-01-13. Review status: criteria provided, single submitter. Criteria: ICSL Variant Classification Criteria 13 December 2019. Collection method: clinical testing. Allele origin: germline.
Comment: This variant was observed in the ICSL laboratory as part of a predisposition screen in an ostensibly healthy population. It had not been previously curated by ICSL or reported in the Human Gene Mutation Database (HGMD: prior to June 1st, 2018), and was therefore a candidate for classification through an automated scoring system. Utilizing variant allele frequency, disease prevalence and penetrance estimates, and inheritance mode, an automated score was calculated to assess if this variant is too frequent to cause the disease. Based on the score and internal cut-off values, a variant classified as likely benign is not then subjected to further curation. The score for this variant resulted in a classification of likely benign for this disease.

NM_006017.3(PROM1):c.1279T>C (p.Leu427=)

Gene: PROM1 (prominin 1; minus strand). Cytogenetic location: 4p15.32.
Variant type: single nucleotide variant.
Coding change: c.1279T>C on transcript NM_006017.3 (MANE Select); coding-DNA position 1279, T replaced by C.
Protein change: p.Leu427=; no amino-acid change (leucine 427 retained).
Molecular consequence: synonymous variant.
Genome position (GRCh38, 1-based): chr4:16,008,971, A>G on the plus strand (T>C on the coding strand, the complement: PROM1 is on the minus strand). VCF-style: chr4-16008971-A-G. GRCh37 (hg19) VCF-style: chr4-16010594-A-G.
Other names: c.1252T>C, p.Leu418= (NM_001145847.2, NM_001145848.2, NM_001145851.2 and 4 more transcripts); c.1279T>C, p.Leu427= (NM_001145849.2, NM_001145850.2).
Identifiers: ClinVar variation 757831 (VCV000757831.15), dbSNP rs200710798, ClinGen allele CA2866822.